The following is an entry in ClinVar:

ClinVar aggregate classification (germline): Uncertain significance (1 of 4 stars; one submission).

Conditions:
Hyperphosphatasia with impaired intellectual development syndrome 2. Also called: Hyperphosphatasia with intellectual disability syndrome 2; GLYCOSYLPHOSPHATIDYLINOSITOL BIOSYNTHESIS DEFECT 6. Identifiers: Orphanet 247262, MedGen C3553637, MONDO:0013882, OMIM 614749.

Allele frequency attached by ClinVar (database versions not stated): gnomAD 0.00001.
gnomAD v4.1: 1 of 1,613,002 alleles (0.000062%); highest among the groups gnomAD compares: Admixed American, 0.0017%; no homozygotes.

Submission:

Labcorp Genetics (formerly Invitae), Labcorp
Classification: Uncertain significance for Hyperphosphatasia with impaired intellectual development syndrome 2. Last evaluated: 2024-10-16. Review status: criteria provided, single submitter. Criteria: Invitae Variant Classification Sherloc (09022015). Collection method: clinical testing. Allele origin: germline.
Comment: This sequence change replaces valine, which is neutral and non-polar, with leucine, which is neutral and non-polar, at codon 321 of the PIGO protein (p.Val321Leu). This variant is not present in population databases (gnomAD no frequency). This variant has not been reported in the literature in individuals affected with PIGO-related conditions. ClinVar contains an entry for this variant (Variation ID: 1361402). Invitae Evidence Modeling of protein sequence and biophysical properties (such as structural, functional, and spatial information, amino acid conservation, physicochemical variation, residue mobility, and thermodynamic stability) indicates that this missense variant is not expected to disrupt PIGO protein function with a negative predictive value of 80%. In summary, the available evidence is currently insufficient to determine the role of this variant in disease. Therefore, it has been classified as a Variant of Uncertain Significance.

NM_032634.4(PIGO):c.961G>C (p.Val321Leu)

Gene: PIGO (phosphatidylinositol glycan anchor biosynthesis class O; minus strand). Cytogenetic location: 9p13.3.
Variant type: single nucleotide variant.
Coding change: c.961G>C on transcript NM_032634.4 (MANE Select); coding-DNA position 961, G replaced by C.
Protein change: p.Val321Leu; replaces valine 321 with leucine.
Molecular consequence: missense variant.
Genome position (GRCh38, 1-based): chr9:35,093,188, C>G on the plus strand (G>C on the coding strand, the complement: PIGO is on the minus strand). VCF-style: chr9-35093188-C-G. GRCh37 (hg19) VCF-style: chr9-35093185-C-G.
Other names: c.961G>C, p.Val321Leu (NM_001201484.2, NM_152850.4); short protein forms V321L.
Identifiers: ClinVar variation 1361402 (VCV001361402.7), dbSNP rs1829514232, ClinGen allele CA373323108.